The following is an entry in ClinVar:

ClinVar aggregate classification (germline): Uncertain significance (1 of 4 stars; one submission).

Conditions:
Baller-Gerold syndrome (BGS). Also called: CRANIOSYNOSTOSIS WITH RADIAL DEFECTS. Identifiers: Orphanet 1225, MedGen C0265308, MONDO:0009039, OMIM 218600.

Submission:

Labcorp Genetics (formerly Invitae), Labcorp
Classification: Uncertain significance for Baller-Gerold syndrome. Last evaluated: 2023-06-24. Review status: criteria provided, single submitter. Criteria: Invitae Variant Classification Sherloc (09022015). Collection method: clinical testing. Allele origin: germline.
Comment: This variant has not been reported in the literature in individuals affected with RECQL4-related conditions. In summary, the available evidence is currently insufficient to determine the role of this variant in disease. Therefore, it has been classified as a Variant of Uncertain Significance. Advanced modeling of protein sequence and biophysical properties (such as structural, functional, and spatial information, amino acid conservation, physicochemical variation, residue mobility, and thermodynamic stability) performed at Invitae indicates that this missense variant is not expected to disrupt RECQL4 protein function. This variant is not present in population databases (gnomAD no frequency). This sequence change replaces histidine, which is basic and polar, with asparagine, which is neutral and polar, at codon 81 of the RECQL4 protein (p.His81Asn).

NM_004260.4(RECQL4):c.241C>A (p.His81Asn)

Gene: RECQL4 (RecQ like helicase 4; minus strand). Cytogenetic location: 8q24.3.
Variant type: single nucleotide variant.
Coding change: c.241C>A on transcript NM_004260.4 (MANE Select); coding-DNA position 241, C replaced by A.
Protein change: p.His81Asn; replaces histidine 81 with asparagine.
Molecular consequence: missense variant. On other transcripts: 5 prime UTR variant (17), non-coding transcript variant (3).
Genome position (GRCh38, 1-based): chr8:144,517,163, G>T on the plus strand (C>A on the coding strand, the complement: RECQL4 is on the minus strand). VCF-style: chr8-144517163-G-T. GRCh37 (hg19) VCF-style: chr8-145742547-G-T.
Other names: c.241C>A, p.His81Asn (NM_001413019.1, NM_001413020.1, NM_001413029.1 and 5 more transcripts); c.-480C>A (NM_001413021.1); c.-831C>A (NM_001413022.1, NM_001413023.1, NM_001413037.1 and 3 more transcripts); c.-728C>A (NM_001413024.1, NM_001413035.1); c.112C>A, p.His38Asn (NM_001413025.1); c.-893C>A (NM_001413027.1, NM_001413030.1, NM_001413031.1 and 1 more transcripts); c.-556C>A (NM_001413028.1); c.-790C>A (NM_001413032.1); and 2 more; short protein forms H81N, H38N.
Identifiers: ClinVar variation 2977382 (VCV002977382.3), dbSNP rs1815250921, ClinGen allele CA372692298.